The following is an entry in ClinVar:

NM_001369.3(DNAH5):c.6905T>G (p.Phe2302Cys)

Gene: DNAH5 (dynein axonemal heavy chain 5; minus strand). Cytogenetic location: 5p15.2.
Variant type: single nucleotide variant.
Coding change: c.6905T>G on transcript NM_001369.3 (MANE Select); coding-DNA position 6905, T replaced by G.
Protein change: p.Phe2302Cys; replaces phenylalanine 2302 with cysteine.
Molecular consequence: missense variant.
Genome position (GRCh38, 1-based): chr5:13,817,631, A>C on the plus strand (T>G on the coding strand, the complement: DNAH5 is on the minus strand). VCF-style: chr5-13817631-A-C. GRCh37 (hg19) VCF-style: chr5-13817740-A-C.
Other names: short protein forms F2302C.
Identifiers: ClinVar variation 2045688 (VCV002045688.1), dbSNP rs981583760, ClinGen allele CA113926831.

ClinVar aggregate classification (germline): Uncertain significance (1 of 4 stars; one submission).

Conditions:
Primary ciliary dyskinesia. Also called: Ciliary dyskinesia. Identifiers: Orphanet 244, MedGen C0008780, MONDO:0016575, HP:0012265.

Allele frequency attached by ClinVar (database versions not stated): gnomAD exomes below 0.00001; TOPMed 0.00019.
gnomAD v4.1: 28 of 1,614,060 alleles (0.0017%); highest among the groups gnomAD compares: Non-Finnish European, 0.00025%; 1 homozygote.

Submission:

Labcorp Genetics (formerly Invitae), Labcorp
Classification: Uncertain significance for Primary ciliary dyskinesia. Last evaluated: 2022-05-12. Review status: criteria provided, single submitter. Criteria: Invitae Variant Classification Sherloc (09022015). Collection method: clinical testing. Allele origin: germline.
Comment: This sequence change replaces phenylalanine, which is neutral and non-polar, with cysteine, which is neutral and slightly polar, at codon 2302 of the DNAH5 protein (p.Phe2302Cys). This variant is not present in population databases (gnomAD no frequency). This variant has not been reported in the literature in individuals affected with DNAH5-related conditions. Advanced modeling of protein sequence and biophysical properties (such as structural, functional, and spatial information, amino acid conservation, physicochemical variation, residue mobility, and thermodynamic stability) performed at Invitae indicates that this missense variant is expected to disrupt DNAH5 protein function. In summary, the available evidence is currently insufficient to determine the role of this variant in disease. Therefore, it has been classified as a Variant of Uncertain Significance.